The following is an entry in ClinVar:

NM_130384.3(ATRIP):c.1033C>A (p.Leu345Met)

Genes: ATRIP (ATR interacting protein; plus strand), ATRIP-TREX1 (ATRIP-TREX1 readthrough; plus strand). Cytogenetic location: 3p21.31.
Variant type: single nucleotide variant.
Coding change: c.1033C>A on transcript NM_130384.3 (MANE Select); coding-DNA position 1033, C replaced by A.
Protein change: p.Leu345Met; replaces leucine 345 with methionine.
Molecular consequence: missense variant. On other transcripts: non-coding transcript variant (1).
Genome position (GRCh38, 1-based): chr3:48,459,894, C>A. VCF-style: chr3-48459894-C-A. GRCh37 (hg19) VCF-style: chr3-48501293-C-A.
Other names: c.652C>A, p.Leu218Met (NM_001271022.2); c.754C>A, p.Leu252Met (NM_001271023.2); c.1033C>A, p.Leu345Met (NM_032166.4); short protein forms L252M, L218M, L345M.
Identifiers: ClinVar variation 3810981 (VCV003810981.1).

ClinVar aggregate classification (germline): Uncertain significance (1 of 4 stars; one submission).

gnomAD v4.1: 1 of 1,613,468 alleles (0.000062%); highest among the groups gnomAD compares: Non-Finnish European, 0.000085%; no homozygotes.

Submission:

Ambry Genetics
Classification: Uncertain significance. Last evaluated: 2025-02-24. Review status: criteria provided, single submitter. Criteria: Ambry Variant Classification Scheme 2023. Collection method: clinical testing. Allele origin: germline.
Comment: The p.L345M variant (also known as c.1033C>A), located in coding exon 7 of the ATRIP gene, results from a C to A substitution at nucleotide position 1033. The leucine at codon 345 is replaced by methionine, an amino acid with highly similar properties. This amino acid position is conserved. In addition, this alteration is predicted to be tolerated by in silico analysis. Based on the available evidence, the clinical significance of this variant remains unclear.